The following is an entry in ClinVar:

ClinVar aggregate classification (germline): Likely benign (1 of 4 stars; one submission).

Submission:

CeGaT Center for Human Genetics Tuebingen
Classification: Likely benign. Last evaluated: 2026-09-01. Review status: criteria provided, single submitter. Criteria: CeGaT Center For Human Genetics Tuebingen Variant Classification Criteria Version 2. Collection method: clinical testing. Allele origin: germline. Affected: yes. Observed: 14 variant alleles.
Comment: HLA-DQB1: PM2:Supporting, BP4, BP7

NM_002123.5(HLA-DQB1):c.84A>C (p.Leu28=)

Gene: HLA-DQB1 (major histocompatibility complex, class II, DQ beta 1; minus strand). Cytogenetic location: 6p21.32.
Variant type: single nucleotide variant.
Coding change: c.84A>C on transcript NM_002123.5 (MANE Select); coding-DNA position 84, A replaced by C.
Protein change: p.Leu28=; no amino-acid change (leucine 28 retained).
Molecular consequence: synonymous variant.
Genome position (GRCh38, 1-based): chr6:32,666,524, T>G on the plus strand (A>C on the coding strand, the complement: HLA-DQB1 is on the minus strand). VCF-style: chr6-32666524-T-G. GRCh37 (hg19) VCF-style: chr6-32634301-T-G.
Other names: c.84A>C, p.Leu28= (NM_001243961.2); c.84A>C, p.Pro28= (NM_001243962.1).
Identifiers: ClinVar variation 2656473 (VCV002656473.24), dbSNP rs1130373, ClinGen allele CA449832070.